The following is an entry in ClinVar:

NM_032043.3(BRIP1):c.1356C>T (p.Asn452=)

Gene: BRIP1 (BRCA1 interacting DNA helicase 1; minus strand). Cytogenetic location: 17q23.2.
Variant type: single nucleotide variant.
Coding change: c.1356C>T on transcript NM_032043.3 (MANE Select); coding-DNA position 1356, C replaced by T.
Protein change: p.Asn452=; no amino-acid change (asparagine 452 retained).
Molecular consequence: synonymous variant.
Genome position (GRCh38, 1-based): chr17:61,793,714, G>A on the plus strand (C>T on the coding strand, the complement: BRIP1 is on the minus strand). VCF-style: chr17-61793714-G-A. GRCh37 (hg19) VCF-style: chr17-59871075-G-A.
Other names: p.N452N:AAC>AAT.
Identifiers: ClinVar variation 182361 (VCV000182361.25), dbSNP rs730881640, ClinGen allele CA298911.

ClinVar aggregate classification (germline): Conflicting classifications of pathogenicity. Review status: criteria provided, conflicting classifications (1 of 4 stars). 9 submissions from 9 submitters: Uncertain significance (1); Benign (2); Likely benign (4). 2 of the submissions do not count toward it. Last evaluated 2026-01-16.

Conditions:
BRIP1-related disorder. Also called: BRIP1-related condition; BRIP1-related disorders. Identifiers: MedGen CN239206.
Hereditary cancer-predisposing syndrome. Also called: Tumor predisposition; Neoplastic Syndromes, Hereditary; Hereditary neoplastic syndrome; Hereditary Cancer Syndrome. Identifiers: Orphanet 140162, MedGen C0027672, MeSH D009386, MONDO:0015356.
Fanconi anemia complementation group J. Also called: BRIP1-Related Fanconi Anemia. Identifiers: Orphanet 84, MedGen C1836860, MONDO:0012187, OMIM 609054.
Familial cancer of breast. Also called: BREAST CANCER, FAMILIAL; hereditary breast carcinoma; Hereditary breast cancer. Identifiers: Orphanet 227535, MedGen C0346153, MONDO:0016419, OMIM 114480. Disease mechanism: loss of function.

Allele frequency attached by ClinVar (database versions not stated): ExAC 0.00003; gnomAD exomes 0.00006; TOPMed 0.00006.
gnomAD v4.1: 30 of 1,610,094 alleles (0.0019%); highest among the groups gnomAD compares: Admixed American, 0.022%; no homozygotes.

Submissions (9):

Labcorp Genetics (formerly Invitae), Labcorp
Classification: Likely benign for Familial cancer of breast; Fanconi anemia complementation group J. Last evaluated: 2026-01-16. Review status: criteria provided, single submitter. Criteria: Invitae Variant Classification Sherloc (09022015). Collection method: clinical testing. Allele origin: germline.

Myriad Genetics, Inc.
Classification: Benign for Familial cancer of breast. Last evaluated: 2024-08-27. Review status: criteria provided, single submitter. Criteria: Myriad Autosomal Dominant, Autosomal Recessive and X-Linked Classification Criteria (2023). Collection method: clinical testing. Allele origin: unknown.
Comment: This variant is considered benign. This variant is a silent/synonymous amino acid change and it is not expected to impact splicing.

Department of Pathology and Laboratory Medicine, Sinai Health System
Classification: Uncertain significance for Familial cancer of breast. Last evaluated: 2024-08-09. Review status: criteria provided, single submitter. Criteria: ACMG Guidelines, 2015. Collection method: clinical testing. Allele origin: germline. Affected: yes.

Blueprint Genetics
Classification: Likely benign. Last evaluated: 2022-11-02. Review status: criteria provided, single submitter. Criteria: ACMG Guidelines, 2015. Collection method: clinical testing. Allele origin: germline.

Color Diagnostics, LLC DBA Color Health
Classification: Likely benign for Hereditary cancer-predisposing syndrome. Last evaluated: 2016-12-08. Review status: criteria provided, single submitter. Criteria: ACMG Guidelines, 2015. Collection method: clinical testing. Allele origin: germline.

Ambry Genetics
Classification: Likely benign for Hereditary cancer-predisposing syndrome. Last evaluated: 2015-04-16. Review status: criteria provided, single submitter. Criteria: Ambry Variant Classification Scheme 2023. Collection method: clinical testing. Allele origin: germline.

GeneDx
Classification: Benign. Last evaluated: 2014-07-14. Review status: criteria provided, single submitter. Criteria: GeneDx Variant Classification (06012015). Collection method: clinical testing. Allele origin: germline. Affected: yes.
Comment: This variant is considered likely benign or benign based on one or more of the following criteria: it is a conservative change, it occurs at a poorly conserved position in the protein, it is predicted to be benign by multiple in silico algorithms, and/or has population frequency not consistent with disease.

PreventionGenetics, part of Exact Sciences
Classification: Likely benign for BRIP1-related condition. Last evaluated: 2021-10-30. Review status: no assertion criteria provided. Collection method: clinical testing. Allele origin: germline. Not counted in ClinVar's aggregate classification.
Comment: This variant is classified as likely benign based on ACMG/AMP sequence variant interpretation guidelines (Richards et al. 2015 PMID: 25741868, with internal and published modifications).

Leiden Open Variation Database
Classification: Benign. Last evaluated: 2019-08-13. Review status: no assertion criteria provided. Collection method: curation. Allele origin: germline. Affected: yes. Not counted in ClinVar's aggregate classification.
Comment: Curator: Arleen D. Auerbach. Submitter to LOVD: Yukihide Momozawa.

Literature cited by the submitters: PubMed 31214711 (cited by Leiden Open Variation Database).